The following is an entry in ClinVar:

NM_004415.4(DSP):c.4648A>T (p.Thr1550Ser)

Gene: DSP (desmoplakin; plus strand). Cytogenetic location: 6p24.3.
Variant type: single nucleotide variant.
Coding change: c.4648A>T on transcript NM_004415.4 (MANE Select); coding-DNA position 4648, A replaced by T.
Protein change: p.Thr1550Ser; replaces threonine 1550 with serine.
Molecular consequence: missense variant. On other transcripts: intron variant (2).
Genome position (GRCh38, 1-based): chr6:7,580,838, A>T. VCF-style: chr6-7580838-A-T. GRCh37 (hg19) VCF-style: chr6-7581071-A-T.
Other names: c.4050+598A>T (NM_001319034.2); c.3582+1066A>T (NM_001008844.3); short protein forms T1550S.
Identifiers: ClinVar variation 1742160 (VCV001742160.8), dbSNP rs375917565, ClinGen allele CA042319.

ClinVar aggregate classification (germline): Conflicting classifications of pathogenicity. Review status: criteria provided, conflicting classifications (1 of 4 stars). 3 submissions from 3 submitters: Uncertain significance (2); Likely benign (1). Last evaluated 2025-10-13.

Conditions:
Cardiomyopathy (CMYO). Also called: Cardiomyopathies. Identifiers: Orphanet 167848, MedGen C0878544, MONDO:0004994, HP:0001638. Inheritance: Various modes of inheritance.
Cardiovascular phenotype. Identifiers: MedGen CN230736.
Arrhythmogenic cardiomyopathy with wooly hair and keratoderma. Also called: Arrhythmogenic cardiomyopathy with woolly hair and keratoderma; Dilated cardiomyopathy with woolly hair and keratoderma; PALMOPLANTAR KERATODERMA WITH LEFT VENTRICULAR CARDIOMYOPATHY AND WOOLLY HAIR; Carvajal syndrome. Identifiers: Orphanet 65282, MedGen C1854063, MONDO:0011581, OMIM 605676.
Arrhythmogenic right ventricular dysplasia 8 (ARVD8). Also called: Arrhythmogenic Right Ventricular Dysplasia/Cardiomyopathy 8; ARRHYTHMOGENIC RIGHT VENTRICULAR CARDIOMYOPATHY 8; ARRHYTHMOGENIC RIGHT VENTRICULAR DYSPLASIA, FAMILIAL, 8. Identifiers: MedGen C1843896, MONDO:0011831, OMIM 607450.

Allele frequency attached by ClinVar (database versions not stated): ExAC 0.00002; gnomAD 0.00002; TOPMed 0.00003; ESP Exome Variant Server 0.00008.
gnomAD v4.1: 6 of 1,614,038 alleles (0.00037%); highest among the groups gnomAD compares: African/African-American, 0.008%; no homozygotes.

Submissions (3):

Labcorp Genetics (formerly Invitae), Labcorp
Classification: Likely benign for Arrhythmogenic cardiomyopathy with wooly hair and keratoderma; Arrhythmogenic right ventricular dysplasia 8. Last evaluated: 2025-10-13. Review status: criteria provided, single submitter. Criteria: Invitae Variant Classification Sherloc (09022015). Collection method: clinical testing. Allele origin: germline.

Color Diagnostics, LLC DBA Color Health
Classification: Uncertain significance for Cardiomyopathy. Last evaluated: 2025-09-29. Review status: criteria provided, single submitter. Criteria: ACMG Guidelines, 2015. Collection method: clinical testing. Allele origin: germline.
Comment: This missense variant replaces threonine with serine at codon 1550 of the DSP protein. Computational prediction suggests that this variant may not impact protein structure and function. To our knowledge, functional studies have not been reported for this variant. This variant has not been reported in individuals affected with DSP-related disorders in the literature. This variant has been identified in 3/281514 chromosomes in the general population by the Genome Aggregation Database (gnomAD). The available evidence is insufficient to determine the role of this variant in disease conclusively. Therefore, this variant is classified as a Variant of Uncertain Significance.

Ambry Genetics
Classification: Uncertain significance for Cardiovascular phenotype. Last evaluated: 2019-06-06. Review status: criteria provided, single submitter. Criteria: Ambry Variant Classification Scheme 2023. Collection method: clinical testing. Allele origin: germline.
Comment: The p.T1550S variant (also known as c.4648A>T), located in coding exon 23 of the DSP gene, results from an A to T substitution at nucleotide position 4648. The threonine at codon 1550 is replaced by serine, an amino acid with similar properties. This amino acid position is not well conserved in available vertebrate species, and serine is the reference amino acid in other vertebrate species. In addition, this alteration is predicted to be tolerated by in silico analysis. Since supporting evidence is limited at this time, the clinical significance of this alteration remains unclear.